The following is an entry in ClinVar:

ClinVar aggregate classification (germline): Uncertain significance (1 of 4 stars; one submission).

Conditions:
ASIP-related condition.

Submission:

PreventionGenetics, part of Exact Sciences
Classification: Uncertain significance for ASIP-related condition. Last evaluated: 2025-01-15. Review status: criteria provided, single submitter. Criteria: ACMG Guidelines, 2015. Collection method: clinical testing. Allele origin: germline.
Comment: The ASIP c.325G>T variant is predicted to result in the amino acid substitution p.Asp109Tyr. To our knowledge, this variant has not been reported in the literature or in a large population database (gnomAD), indicating this variant is rare. At this time, the clinical significance of this variant is uncertain due to the absence of conclusive functional and genetic evidence.

NM_001672.3(ASIP):c.325G>T (p.Asp109Tyr)

Genes: AHCY (adenosylhomocysteinase; minus strand), ASIP (agouti signaling protein; plus strand). Cytogenetic location: 20q11.22.
Variant type: single nucleotide variant.
Coding change: c.325G>T on transcript NM_001672.3 (MANE Select); coding-DNA position 325, G replaced by T.
Protein change: p.Asp109Tyr; replaces aspartic acid 109 with tyrosine.
Molecular consequence: missense variant.
Genome position (GRCh38, 1-based): chr20:34,269,093, G>T. VCF-style: chr20-34269093-G-T. GRCh37 (hg19) VCF-style: chr20-32856899-G-T.
Other names: c.325G>T, p.Asp109Tyr (NM_001385218.1); short protein forms D109Y.
Identifiers: ClinVar variation 4999964 (VCV004999964.1).
Genomic context (GRCh38, chr20:34,269,093, plus strand): 5'-CTATCTGCGCCCTGCGTGGCCACCCGCAACAGCTGCAAGCCGCCGGCACCCGCCTGCTGC[G>T]ACCCGTGCGCCTCCTGCCAGTGCCGCTTCTTCCGCAGCGCCTGCTCCTGCCGCGTGCTCA-3'
Protein context (NP_001663.2, residues 99-119): SCKPPAPACC[Asp109Tyr]PCASCQCRFF